The following is an entry in ClinVar:

NM_000138.5(FBN1):c.543C>G (p.Tyr181Ter)

Gene: FBN1 (fibrillin 1; minus strand). Cytogenetic location: 15q21.1.
Variant type: single nucleotide variant.
Coding change: c.543C>G on transcript NM_000138.5 (MANE Select); coding-DNA position 543, C replaced by G.
Protein change: p.Tyr181Ter; replaces tyrosine 181 with a stop codon.
Molecular consequence: nonsense.
Genome position (GRCh38, 1-based): chr15:48,537,804, G>C on the plus strand (C>G on the coding strand, the complement: FBN1 is on the minus strand). VCF-style: chr15-48537804-G-C. GRCh37 (hg19) VCF-style: chr15-48830001-G-C.
Other names: short protein forms Y181*.
Identifiers: ClinVar variation 666551 (VCV000666551.3), dbSNP rs1597593852, ClinGen allele CA392446192.

ClinVar aggregate classification (germline): Pathogenic (1 of 4 stars; one submission).

Conditions:
Marfan syndrome (MFS). Also called: MARFAN SYNDROME, TYPE I; FBN1-Related Marfan Syndrome; Marfan syndrome type 1; Marfan's syndrome; Marfan syndrome, classic. Identifiers: Orphanet 284963, Orphanet 558, MedGen C0024796, MONDO:0007947, OMIM 154700.

Submission:

Petrovsky National Research Centre of Surgery, The Federal Agency for Scientific Organizations
Classification: Pathogenic for Marfan syndrome. Last evaluated: 2016-10-10. Review status: criteria provided, single submitter. Criteria: ACMG Guidelines, 2015. Collection method: clinical testing. Allele origin: unknown. Inheritance: Autosomal dominant inheritance. Affected: yes. Observed: 1 heterozygote.
Comment: The p.Tyr181Ter variant is absent from large population studies. Computational results of NetGene2, Provean, PolyPhen2 show damaging effect. Loss-of-function variants in FBN1 are known to be pathogenic (PMID: 17657824, 19293843).